The following is an entry in ClinVar:

ClinVar aggregate classification (germline): Uncertain significance (1 of 4 stars; one submission).

Conditions:
CUL4B-related disorder. Also called: CUL4B-related condition.

Submission:

PreventionGenetics, part of Exact Sciences
Classification: Uncertain significance for CUL4B-related condition. Last evaluated: 2024-12-30. Review status: criteria provided, single submitter. Criteria: ACMG Guidelines, 2015. Collection method: clinical testing. Allele origin: germline.
Comment: The CUL4B c.2456T>A variant is predicted to result in the amino acid substitution p.Phe819Tyr. To our knowledge, this variant has not been reported in the literature or in a large population database (gnomAD), indicating this variant is rare. At this time, the clinical significance of this variant is uncertain due to the absence of conclusive functional and genetic evidence.

NM_001079872.2(CUL4B):c.2402T>A (p.Phe801Tyr)

Gene: CUL4B (cullin 4B; minus strand). Cytogenetic location: Xq24.
Variant type: single nucleotide variant.
Coding change: c.2402T>A on transcript NM_001079872.2 (MANE Select); coding-DNA position 2402, T replaced by A.
Protein change: p.Phe801Tyr; replaces phenylalanine 801 with tyrosine.
Molecular consequence: missense variant.
Genome position (GRCh38, 1-based): chrX:120,532,459, A>T on the plus strand (T>A on the coding strand, the complement: CUL4B is on the minus strand). VCF-style: chrX-120532459-A-T. GRCh37 (hg19) VCF-style: chrX-119666314-A-T.
Other names: c.2417T>A, p.Phe806Tyr (NM_001330624.2); c.1868T>A, p.Phe623Tyr (NM_001369145.1); c.2456T>A, p.Phe819Tyr (NM_003588.4); short protein forms F801Y, F819Y, F623Y, F806Y.
Identifiers: ClinVar variation 4999178 (VCV004999178.1).
Genomic context (GRCh38, chrX:120,532,459, plus strand): 5'-CTAAGAGAAAGTGAAAGAAATACCGTTTCTTTCATCTGGATTTGATTGATCTTTATCCTG[A>T]AAAGTTTATGTTTGAAATCATCATTACAAATGAACTTGTCACCATCTTCAATGTCTTTGC-3'
Protein context (NP_001073341.1, residues 791-811): ICNDDFKHKL[Phe801Tyr]RIKINQIQMK